The following is an entry in ClinVar:

NM_000117.2(EMD):c.-248_*326dup1339

Genes: EMD (emerin; plus strand), LOC130068864 (ATAC-STARR-seq lymphoblastoid silent region 21098; plus strand). Cytogenetic location: Xq28.
Variant type: Duplication.
Coding change: c.-248_*326dup1339 on transcript NM_000117.2; 248 bases upstream of the start codon through 326 bases downstream of the stop codon, this stretch duplicated.
Other names: c.-248-?_*326+?dup (LRG_745t1).
Identifiers: ClinVar variation 237012 (VCV000237012.1).

ClinVar aggregate classification (germline): Uncertain significance (1 of 4 stars; one submission).

Conditions:
X-linked Emery-Dreifuss muscular dystrophy. Also called: Muscular dystrophy, tardive Emery-Dreifuss type, with contractures. Identifiers: Orphanet 261, Orphanet 98863, MedGen C0751337, MONDO:0010680.

Submission:

Labcorp Genetics (formerly Invitae), Labcorp
Classification: Uncertain significance for X-linked Emery-Dreifuss muscular dystrophy. Last evaluated: 2016-10-12. Review status: criteria provided, single submitter. Criteria: Invitae Variant Classification Sherloc (09022015). Collection method: clinical testing. Allele origin: germline.
Comment: A gross duplication of the genomic region encompassing the full coding sequence of the EMD gene has been identified. The boundaries of this event are unknown as the duplication extends beyond the assayed region for this gene and therefore may encompass additional genes. As the precise location of this duplication is unknown, it may be in tandem or it may be located elsewhere in the genome. This variant has not been reported in the literature in an individual with an EMD-related disease. In summary, the exact genomic location of this variant is unknown and the impact of this duplication on EMD protein function has not been established. Therefore, it has been classified as a Variant of Uncertain Significance.